The following is an entry in ClinVar:

ClinVar aggregate classification (germline): Uncertain significance. Review status: criteria provided, multiple submitters, no conflicts (2 of 4 stars). 3 submissions from 3 submitters: Uncertain significance (3). Last evaluated 2024-10-15.

Conditions:
Spastic paraplegia. Identifiers: MedGen C0037772, HP:0001258.
Hereditary spastic paraplegia 15 (SPG15). Also called: KJELLIN SYNDROME; SPASTIC PARAPLEGIA 15, AUTOSOMAL RECESSIVE; SPASTIC PARAPLEGIA AND RETINAL DEGENERATION. Identifiers: Orphanet 100996, MedGen C1849128, MONDO:0010044, OMIM 270700.

Allele frequency attached by ClinVar (database versions not stated): TOPMed 0.00003.
gnomAD v4.1: 82 of 1,613,236 alleles (0.0051%); highest among the groups gnomAD compares: Middle Eastern, 0.082%; no homozygotes.

Submissions (3):

Blueprint Genetics
Classification: Uncertain significance. Last evaluated: 2024-10-15. Review status: criteria provided, single submitter. Criteria: ACMG Guidelines, 2015. Collection method: clinical testing. Allele origin: germline.

Labcorp Genetics (formerly Invitae), Labcorp
Classification: Uncertain significance for Spastic paraplegia. Last evaluated: 2022-07-14. Review status: criteria provided, single submitter. Criteria: Invitae Variant Classification Sherloc (09022015). Collection method: clinical testing. Allele origin: germline.
Comment: This sequence change replaces arginine, which is basic and polar, with proline, which is neutral and non-polar, at codon 89 of the ZFYVE26 protein (p.Arg89Pro). This variant is present in population databases (rs138664542, gnomAD 0.05%). This variant has not been reported in the literature in individuals affected with ZFYVE26-related conditions. ClinVar contains an entry for this variant (Variation ID: 313931). Algorithms developed to predict the effect of missense changes on protein structure and function output the following: SIFT: "Tolerated"; PolyPhen-2: "Benign"; Align-GVGD: "Class C0". The proline amino acid residue is found in multiple mammalian species, which suggests that this missense change does not adversely affect protein function. In summary, the available evidence is currently insufficient to determine the role of this variant in disease. Therefore, it has been classified as a Variant of Uncertain Significance.

Illumina Laboratory Services, Illumina
Classification: Uncertain significance for Hereditary spastic paraplegia 15. Last evaluated: 2018-01-13. Review status: criteria provided, single submitter. Criteria: ICSL Variant Classification Criteria 13 December 2019. Collection method: clinical testing. Allele origin: germline.

NM_015346.4(ZFYVE26):c.266G>C (p.Arg89Pro)

Gene: ZFYVE26 (zinc finger FYVE-type containing 26; minus strand). Cytogenetic location: 14q24.1.
Variant type: single nucleotide variant.
Coding change: c.266G>C on transcript NM_015346.4 (MANE Select); coding-DNA position 266, G replaced by C.
Protein change: p.Arg89Pro; replaces arginine 89 with proline.
Molecular consequence: missense variant.
Genome position (GRCh38, 1-based): chr14:67,813,993, C>G on the plus strand (G>C on the coding strand, the complement: ZFYVE26 is on the minus strand). VCF-style: chr14-67813993-C-G. GRCh37 (hg19) VCF-style: chr14-68280710-C-G.
Other names: short protein forms R89P.
Identifiers: ClinVar variation 313931 (VCV000313931.8), dbSNP rs138664542, ClinGen allele CA7240850.
Genomic context (GRCh38, chr14:67,813,993, plus strand): 5'-CAAGTTCTTCTCAGTCCTGGCCTCGGAGGAAAATTTAATATAAACCTACTTACCTTTTCC[C>G]GGGCCAACCATTTCTCCAGTACAAGAAGCCAGACCCAGGCTACTCTTTGAGGGTTGATGT-3'
Protein context (NP_056161.2, residues 79-99): WLLVLEKWLA[Arg89Pro]EKKLLPVVFR